The following is an entry in ClinVar:

NM_006767.4(LZTR1):c.1271A>G (p.Tyr424Cys)

Gene: LZTR1 (leucine zipper like post translational regulator 1; plus strand). Cytogenetic location: 22q11.21.
Variant type: single nucleotide variant.
Coding change: c.1271A>G on transcript NM_006767.4 (MANE Select); coding-DNA position 1271, A replaced by G.
Protein change: p.Tyr424Cys; replaces tyrosine 424 with cysteine.
Molecular consequence: missense variant.
Genome position (GRCh38, 1-based): chr22:20,993,672, A>G. VCF-style: chr22-20993672-A-G. GRCh37 (hg19) VCF-style: chr22-21347961-A-G.
Other names: short protein forms Y424C.
Identifiers: ClinVar variation 4101899 (VCV004101899.1).

ClinVar aggregate classification (germline): Uncertain significance (1 of 4 stars; one submission).

Conditions:
Cardiovascular phenotype. Identifiers: MedGen CN230736.
Hereditary cancer-predisposing syndrome. Also called: Tumor predisposition; Neoplastic Syndromes, Hereditary; Hereditary neoplastic syndrome; Hereditary Cancer Syndrome. Identifiers: Orphanet 140162, MedGen C0027672, MeSH D009386, MONDO:0015356.

Submission:

Ambry Genetics
Classification: Uncertain significance for Cardiovascular phenotype; Hereditary cancer-predisposing syndrome. Last evaluated: 2025-07-12. Review status: criteria provided, single submitter. Criteria: Ambry Variant Classification Scheme 2023. Collection method: clinical testing. Allele origin: germline.
Comment: The p.Y424C variant (also known as c.1271A>G), located in coding exon 12 of the LZTR1 gene, results from an A to G substitution at nucleotide position 1271. The tyrosine at codon 424 is replaced by cysteine, an amino acid with highly dissimilar properties. This amino acid position is conserved. In addition, the in silico prediction for this alteration is inconclusive. Based on the available evidence, the clinical significance of this variant remains unclear.